The following is an entry in ClinVar:

ClinVar aggregate classification (germline): Likely benign. Review status: criteria provided, single submitter (1 of 4 stars). 2 submissions from 2 submitters: Likely benign (1). 1 of the submissions does not count toward it. Last evaluated 2025-06-12.

Conditions:
FBN3-related disorder. Also called: FBN3-related condition.

Allele frequency attached by ClinVar (database versions not stated): gnomAD exomes 0.00003; ExAC 0.00014; 1000 Genomes Project 0.00020; TOPMed 0.00030; 1000 Genomes Project 30x 0.00031; gnomAD 0.00044; ESP Exome Variant Server 0.00046.
gnomAD v4.1: 115 of 1,613,080 alleles (0.0071%); highest among the groups gnomAD compares: African/African-American, 0.14%; no homozygotes.

Submissions (2):

Labcorp Genetics (formerly Invitae), Labcorp
Classification: Likely benign. Last evaluated: 2025-06-12. Review status: criteria provided, single submitter. Criteria: Invitae Variant Classification Sherloc (09022015). Collection method: clinical testing. Allele origin: germline.

PreventionGenetics, part of Exact Sciences
Classification: Likely benign for FBN3-related condition. Last evaluated: 2019-06-24. Review status: no assertion criteria provided. Collection method: clinical testing. Allele origin: germline. Not counted in ClinVar's aggregate classification.
Comment: This variant is classified as likely benign based on ACMG/AMP sequence variant interpretation guidelines (Richards et al. 2015 PMID: 25741868, with internal and published modifications).

NM_032447.5(FBN3):c.1026C>T (p.Phe342=)

Gene: FBN3 (fibrillin 3; minus strand). Cytogenetic location: 19p13.2.
Variant type: single nucleotide variant.
Coding change: c.1026C>T on transcript NM_032447.5 (MANE Select); coding-DNA position 1026, C replaced by T.
Protein change: p.Phe342=; no amino-acid change (phenylalanine 342 retained).
Molecular consequence: synonymous variant.
Genome position (GRCh38, 1-based): chr19:8,138,316, G>A on the plus strand (C>T on the coding strand, the complement: FBN3 is on the minus strand). VCF-style: chr19-8138316-G-A. GRCh37 (hg19) VCF-style: chr19-8203200-G-A.
Other names: c.1026C>T, p.Phe342= (NM_001321431.2); c.1026C>T (NM_001321431.1).
Identifiers: ClinVar variation 2067317 (VCV002067317.6), dbSNP rs146076390, ClinGen allele CA9153488.